The following is an entry in ClinVar:

ClinVar aggregate classification (germline): Uncertain significance. Review status: criteria provided, multiple submitters, no conflicts (2 of 4 stars). 2 submissions from 2 submitters: Uncertain significance (2). Last evaluated 2023-04-01.

Conditions:
Marinesco-Sjögren syndrome (MSS). Also called: Marinesco-SjÃ¶gren syndrome; Marinesco-Sjogren Syndrome. Identifiers: Orphanet 559, MedGen C0024814, MONDO:0009567, OMIM 248800.

Allele frequency attached by ClinVar (database versions not stated): ExAC 0.00001; gnomAD exomes 0.00001.
gnomAD v4.1: 17 of 1,614,254 alleles (0.0011%); highest among the groups gnomAD compares: South Asian, 0.0022%; no homozygotes.

Submissions (2):

CeGaT Center for Human Genetics Tuebingen
Classification: Uncertain significance. Last evaluated: 2023-04-01. Review status: criteria provided, single submitter. Criteria: CeGaT Center For Human Genetics Tuebingen Variant Classification Criteria Version 2. Collection method: clinical testing. Allele origin: germline. Affected: yes. Observed: 1 variant allele.
Comment: SIL1: PM2

Revvity Omics, Revvity
Classification: Uncertain significance for Marinesco-Sjögren syndrome. Last evaluated: 2021-11-25. Review status: criteria provided, single submitter. Criteria: ACMG Guidelines, 2015. Collection method: clinical testing. Allele origin: germline.

NM_022464.5(SIL1):c.550A>G (p.Ile184Val)

Gene: SIL1 (SIL1 nucleotide exchange factor; minus strand). Cytogenetic location: 5q31.2.
Variant type: single nucleotide variant.
Coding change: c.550A>G on transcript NM_022464.5 (MANE Select); coding-DNA position 550, A replaced by G.
Protein change: p.Ile184Val; replaces isoleucine 184 with valine.
Molecular consequence: missense variant.
Genome position (GRCh38, 1-based): chr5:139,026,896, T>C on the plus strand (A>G on the coding strand, the complement: SIL1 is on the minus strand). VCF-style: chr5-139026896-T-C. GRCh37 (hg19) VCF-style: chr5-138362585-T-C.
Other names: c.550A>G, p.Ile184Val (NM_001037633.2); short protein forms I184V.
Identifiers: ClinVar variation 2435937 (VCV002435937.27), dbSNP rs754486382, ClinGen allele CA3432552.